The following is an entry in ClinVar:

NM_031433.4(MFRP):c.1351G>A (p.Asp451Asn)

Genes: C1QTNF5 (C1q and TNF related 5; minus strand), MFRP (membrane frizzled-related protein; minus strand). Cytogenetic location: 11q23.3.
Variant type: single nucleotide variant.
Coding change: c.1351G>A on transcript NM_031433.4 (MANE Select); coding-DNA position 1351, G replaced by A.
Protein change: p.Asp451Asn; replaces aspartic acid 451 with asparagine.
Molecular consequence: missense variant. On other transcripts: 5 prime UTR variant (1).
Genome position (GRCh38, 1-based): chr11:119,342,632, C>T on the plus strand (G>A on the coding strand, the complement: MFRP is on the minus strand). VCF-style: chr11-119342632-C-T. GRCh37 (hg19) VCF-style: chr11-119213342-C-T.
Other names: c.-1286G>A (NM_015645.5); short protein forms D451N.
Identifiers: ClinVar variation 1014672 (VCV001014672.8), dbSNP rs372817789, ClinGen allele CA6320141.

ClinVar aggregate classification (germline): Uncertain significance. Review status: criteria provided, multiple submitters, no conflicts (2 of 4 stars). 2 submissions from 2 submitters: Uncertain significance (2). Last evaluated 2023-07-10.

Conditions:
Isolated microphthalmia 5. Also called: Posterior Microphthalmia with Retinitis Pigmentosa, Foveoschisis, and Optic Disc Drusen. Identifiers: Orphanet 251279, MedGen C1970236, MONDO:0012605, OMIM 611040.

Allele frequency attached by ClinVar (database versions not stated): gnomAD 0.00001; ExAC 0.00002; gnomAD exomes 0.00001 and 0.00002; TOPMed 0.00001; ESP Exome Variant Server 0.00008.
gnomAD v4.1: 10 of 1,613,492 alleles (0.00062%); highest among the groups gnomAD compares: Admixed American, 0.0033%; no homozygotes.

Submissions (2):

Blueprint Genetics
Classification: Uncertain significance. Last evaluated: 2023-07-10. Review status: criteria provided, single submitter. Criteria: ACMG Guidelines, 2015. Collection method: clinical testing. Allele origin: germline.

Labcorp Genetics (formerly Invitae), Labcorp
Classification: Uncertain significance for Isolated microphthalmia 5. Last evaluated: 2022-07-12. Review status: criteria provided, single submitter. Criteria: Invitae Variant Classification Sherloc (09022015). Collection method: clinical testing. Allele origin: germline.
Comment: This sequence change replaces aspartic acid, which is acidic and polar, with asparagine, which is neutral and polar, at codon 451 of the MFRP protein (p.Asp451Asn). This variant is present in population databases (rs372817789, gnomAD 0.007%). This variant has not been reported in the literature in individuals affected with MFRP-related conditions. ClinVar contains an entry for this variant (Variation ID: 1014672). Algorithms developed to predict the effect of missense changes on protein structure and function (SIFT, PolyPhen-2, Align-GVGD) all suggest that this variant is likely to be tolerated. In summary, the available evidence is currently insufficient to determine the role of this variant in disease. Therefore, it has been classified as a Variant of Uncertain Significance.